The following is an entry in ClinVar:

NM_005334.3(HCFC1):c.6069G>T (p.Met2023Ile)

Gene: HCFC1 (host cell factor C1; minus strand). Cytogenetic location: Xq28.
Variant type: single nucleotide variant.
Coding change: c.6069G>T on transcript NM_005334.3 (MANE Select); coding-DNA position 6069, G replaced by T.
Protein change: p.Met2023Ile; replaces methionine 2023 with isoleucine.
Molecular consequence: missense variant.
Genome position (GRCh38, 1-based): chrX:153,949,386, C>A on the plus strand (G>T on the coding strand, the complement: HCFC1 is on the minus strand). VCF-style: chrX-153949386-C-A. GRCh37 (hg19) VCF-style: chrX-153214837-C-A.
Other names: short protein forms M2023I.
Identifiers: ClinVar variation 1048610 (VCV001048610.1), dbSNP rs2148553327, ClinGen allele CA415101821.

ClinVar aggregate classification (germline): Uncertain significance (1 of 4 stars; one submission).

Conditions:
Methylmalonic acidemia with homocystinuria, type cblX (MAHCX). Also called: INTELLECTUAL DEVELOPMENTAL DISORDER, X-LINKED 3. Identifiers: Orphanet 369962, MedGen C0796208, MONDO:0010657, OMIM 309541.

Submission:

HudsonAlpha Institute for Biotechnology
Classification: Uncertain significance for Methylmalonic acidemia with homocystinuria, type cblX. Last evaluated: 2021-03-17. Review status: criteria provided, single submitter. Criteria: ACMG Guidelines, 2015. Collection method: research. Allele origin: inherited. Observed: 1 variant allele. Study: CSER-SouthSeq.
Comment: ACMG codes:PM2